The following is an entry in ClinVar:

NM_000553.6(WRN):c.2893A>G (p.Lys965Glu)

Gene: WRN (WRN RecQ like helicase; plus strand). Cytogenetic location: 8p12.
Variant type: single nucleotide variant.
Coding change: c.2893A>G on transcript NM_000553.6 (MANE Select); coding-DNA position 2893, A replaced by G.
Protein change: p.Lys965Glu; replaces lysine 965 with glutamic acid.
Molecular consequence: missense variant.
Genome position (GRCh38, 1-based): chr8:31,132,432, A>G. VCF-style: chr8-31132432-A-G. GRCh37 (hg19) VCF-style: chr8-30989948-A-G.
Other names: short protein forms K965E.
Identifiers: ClinVar variation 1910177 (VCV001910177.5), dbSNP rs769143572, ClinGen allele CA4704875.

ClinVar aggregate classification (germline): Uncertain significance (1 of 4 stars; one submission).

Conditions:
Werner syndrome (WRN). Identifiers: Orphanet 902, MedGen C0043119, MONDO:0010196, OMIM 277700.

Allele frequency attached by ClinVar (database versions not stated): gnomAD exomes 0.00001; ExAC 0.00002.

Submission:

Labcorp Genetics (formerly Invitae), Labcorp
Classification: Uncertain significance for Werner syndrome. Last evaluated: 2023-07-22. Review status: criteria provided, single submitter. Criteria: Invitae Variant Classification Sherloc (09022015). Collection method: clinical testing. Allele origin: germline.
Comment: In summary, the available evidence is currently insufficient to determine the role of this variant in disease. Therefore, it has been classified as a Variant of Uncertain Significance. This sequence change replaces lysine, which is basic and polar, with glutamic acid, which is acidic and polar, at codon 965 of the WRN protein (p.Lys965Glu). This variant is present in population databases (rs769143572, gnomAD 0.002%). This variant has not been reported in the literature in individuals affected with WRN-related conditions. ClinVar contains an entry for this variant (Variation ID: 1910177). An algorithm developed to predict the effect of missense changes on protein structure and function (PolyPhen-2) suggests that this variant is likely to be tolerated.